The following is an entry in ClinVar:

ClinVar aggregate classification (germline): Conflicting classifications of pathogenicity. Review status: criteria provided, conflicting classifications (1 of 4 stars). 2 submissions from 2 submitters: Uncertain significance (1); Likely benign (1). Last evaluated 2026-09-01.

Allele frequency attached by ClinVar (database versions not stated): gnomAD exomes below 0.00001; gnomAD 0.00002.
gnomAD v4.1: 6 of 1,602,542 alleles (0.00037%); highest among the groups gnomAD compares: Admixed American, 0.0051%; no homozygotes.

Submissions (2):

CeGaT Center for Human Genetics Tuebingen
Classification: Likely benign. Last evaluated: 2026-09-01. Review status: criteria provided, single submitter. Criteria: CeGaT Center For Human Genetics Tuebingen Variant Classification Criteria Version 2. Collection method: clinical testing. Allele origin: germline. Affected: yes. Observed: 1 variant allele.
Comment: RRAS2: BP4, BP7

Labcorp Genetics (formerly Invitae), Labcorp
Classification: Uncertain significance. Last evaluated: 2025-07-23. Review status: criteria provided, single submitter. Criteria: Invitae Variant Classification Sherloc (09022015). Collection method: clinical testing. Allele origin: germline.
Comment: This sequence change affects codon 65 of the RRAS2 mRNA. It is a 'silent' change, meaning that it does not change the encoded amino acid sequence of the RRAS2 protein. It affects a nucleotide within the consensus splice site. This variant is not present in population databases (gnomAD no frequency). This variant has not been reported in the literature in individuals affected with RRAS2-related conditions. ClinVar contains an entry for this variant (Variation ID: 1492512). Algorithms developed to predict the effect of sequence changes on RNA splicing suggest that this variant is not likely to affect RNA splicing. In summary, the available evidence is currently insufficient to determine the role of this variant in disease. Therefore, it has been classified as a Variant of Uncertain Significance.

NM_012250.6(RRAS2):c.195T>C (p.Asp65=)

Gene: RRAS2 (RAS related 2; minus strand). Cytogenetic location: 11p15.2.
Variant type: single nucleotide variant.
Coding change: c.195T>C on transcript NM_012250.6 (MANE Select); coding-DNA position 195, T replaced by C.
Protein change: p.Asp65=; no amino-acid change (aspartic acid 65 retained).
Molecular consequence: synonymous variant.
Genome position (GRCh38, 1-based): chr11:14,295,769, A>G on the plus strand (T>C on the coding strand, the complement: RRAS2 is on the minus strand). VCF-style: chr11-14295769-A-G. GRCh37 (hg19) VCF-style: chr11-14317315-A-G.
Other names: c.-37T>C (NM_001102669.3, NM_001177315.2); c.90T>C, p.Asp30= (NM_001177314.2).
Identifiers: ClinVar variation 1492512 (VCV001492512.7), dbSNP rs1847529671, ClinGen allele CA473324400.
Genomic context (GRCh38, chr11:14,295,769, plus strand): 5'-GCGCTTACTTTTTTAAAAAATATGATATGCAAATTATCAAACAAAGGAAGTTTACTTACT[A>G]TCTAGCCGGGCTGCTCTGTCATCTATCACACACTGCTTTGTGTAAGAATCTTCAATGGTT-3'
Protein context (NP_036382.2, residues 55-75): CVIDDRAARL[Asp65=]ILDTAGQEEF